The following is an entry in ClinVar:

ClinVar aggregate classification (germline): Pathogenic. Review status: criteria provided, multiple submitters, no conflicts (2 of 4 stars). 5 submissions from 5 submitters: Pathogenic (5). Last evaluated 2025-10-31.

Conditions:
Inborn genetic diseases. Identifiers: MedGen C0950123, MeSH D030342.
Polycystic kidney disease, adult type (PKD1). Also called: Polycystic Kidney Disease 1, Autosomal Dominant; Polycystic kidney disease 1; Polycystic kidney disease 1, severe; POLYCYSTIC KIDNEY DISEASE 1 WITH OR WITHOUT POLYCYSTIC LIVER DISEASE; POLYCYSTIC KIDNEY DISEASE, ADULT, TYPE I; Polycystic Kidney, Autosomal Dominant. Identifiers: MedGen C3149841, MONDO:0008263, OMIM 173900.

Submissions (5):

Ambry Genetics
Classification: Pathogenic for Inborn genetic diseases. Last evaluated: 2025-10-31. Review status: criteria provided, single submitter. Criteria: Ambry Variant Classification Scheme 2023. Collection method: clinical testing. Allele origin: germline.
Comment: The c.6806C>G (p.S2269*) alteration, located in exon 15 (coding exon 15) of the PKD1 gene, consists of a C to G substitution at nucleotide position 6806. This changes the amino acid from a serine (S) to a stop codon at amino acid position 2269. This alteration is expected to result in loss of function by premature protein truncation or nonsense-mediated mRNA decay. This variant was not reported in population-based cohorts in the Genome Aggregation Database (gnomAD). This variant was reported in individual(s) with features consistent with PKD1-related polycystic kidney disease (McCluskey, 2002; Rossetti, 2007; Bekheirnia, 2021). Based on the available evidence, this alteration is classified as pathogenic.

Athena Diagnostics
Classification: Pathogenic. Last evaluated: 2022-05-25. Review status: criteria provided, single submitter. Criteria: Athena Diagnostics Criteria. Collection method: clinical testing. Allele origin: unknown.
Comment: This variant is expected to result in the loss of a functional protein. This variant has been identified in at least one individual with clinical features associated with this gene. This variant has not been reported in large, multi-ethnic general populations.

Fulgent Genetics
Classification: Pathogenic for Polycystic kidney disease, adult type. Last evaluated: 2021-11-19. Review status: criteria provided, single submitter. Criteria: ACMG Guidelines, 2015. Collection method: clinical testing. Allele origin: unknown.

Molecular Genetics of Inherited Kidney Disorders Laboratory, Garvan Institute of Medical Research
Classification: Pathogenic. Last evaluated: 2019-01-01. Review status: criteria provided, single submitter. Criteria: ACMG Guidelines, 2015. Collection method: clinical testing. Allele origin: germline. Affected: yes.

ARUP Laboratories, Molecular Genetics and Genomics, ARUP Laboratories
Classification: Pathogenic. Last evaluated: 2018-06-04. Review status: criteria provided, single submitter. Criteria: ARUP Molecular Germline Variant Investigation Process. Collection method: clinical testing. Allele origin: germline.
Comment: The PKD1 c.6806C>G; p.Ser2269Ter variant is reported in families with ADPKD (McCluskey 2002, Rossetti 2007), and reported to co-segregate with disease (McCluskey 2002). This variant is absent from the general population databases (1000 Genomes Project, Exome Variant Server, and Genome Aggregation Database), indicating it is not a common polymorphism. This variant induces an early termination codon and is predicted to result in a truncated protein or mRNA subject to nonsense-mediated decay. Based on available information, this variant is considered to be pathogenic. REFERENCES McCluskey M et al. Mutation detection in the duplicated region of the polycystic kidney disease 1 (PKD1) gene in PKD1-linked Australian families. Hum Mutat. 2002 Mar;19(3):240-50. Rossetti S et al. Comprehensive molecular diagnostics in autosomal dominant polycystic kidney disease. J Am Soc Nephrol. 2007 Jul;18(7):2143-60.

Literature cited by the submitters: PubMed 11857740 (cited by Ambry Genetics and Athena Diagnostics); PubMed 17582161 (cited by Ambry Genetics and Athena Diagnostics); PubMed 35368817 (cited by Ambry Genetics and Athena Diagnostics).

NM_001009944.3(PKD1):c.6806C>G (p.Ser2269Ter)

Gene: PKD1 (polycystin 1, transient receptor potential channel interacting; minus strand). Cytogenetic location: 16p13.3.
Variant type: single nucleotide variant.
Coding change: c.6806C>G on transcript NM_001009944.3 (MANE Select); coding-DNA position 6806, C replaced by G.
Protein change: p.Ser2269Ter; replaces serine 2269 with a stop codon.
Molecular consequence: nonsense.
Genome position (GRCh38, 1-based): chr16:2,108,361, G>C on the plus strand (C>G on the coding strand, the complement: PKD1 is on the minus strand). VCF-style: chr16-2108361-G-C. GRCh37 (hg19) VCF-style: chr16-2158362-G-C.
Other names: c.6806C>G, p.Ser2269Ter (NM_000296.4); short protein forms S2269*.
Identifiers: ClinVar variation 590791 (VCV000590791.11), dbSNP rs1567191179, ClinGen allele CA394372853.